The following is an entry in ClinVar:

ClinVar aggregate classification (germline): Uncertain significance (0 of 4 stars; one submission).

Conditions:
SRGAP1-related disorder. Also called: SRGAP1-related condition.

gnomAD v4.1: 3 of 1,614,054 alleles (0.00019%); highest among the groups gnomAD compares: Non-Finnish European, 0.00017%; no homozygotes.

Submission:

PreventionGenetics, part of Exact Sciences
Classification: Uncertain significance for SRGAP1-related condition. Last evaluated: 2024-07-03. Review status: no assertion criteria provided. Collection method: clinical testing. Allele origin: germline.
Comment: The SRGAP1 c.5C>A variant is predicted to result in the amino acid substitution p.Ser2Tyr. To our knowledge, this variant has not been reported in the literature or in a large population database, indicating this variant is rare. At this time, the clinical significance of this variant is uncertain due to the absence of conclusive functional and genetic evidence.

NM_020762.4(SRGAP1):c.5C>A (p.Ser2Tyr)

Gene: SRGAP1 (SLIT-ROBO Rho GTPase activating protein 1; plus strand). Cytogenetic location: 12q14.2.
Variant type: single nucleotide variant.
Coding change: c.5C>A on transcript NM_020762.4 (MANE Select); coding-DNA position 5, C replaced by A.
Protein change: p.Ser2Tyr; replaces serine 2 with tyrosine.
Molecular consequence: missense variant.
Genome position (GRCh38, 1-based): chr12:63,844,821, C>A. VCF-style: chr12-63844821-C-A. GRCh37 (hg19) VCF-style: chr12-64238601-C-A.
Other names: c.5C>A, p.Ser2Tyr (NM_001346201.2); short protein forms S2Y.
Identifiers: ClinVar variation 3354671 (VCV003354671.1).
Genomic context (GRCh38, chr12:63,844,821, plus strand): 5'-GTTGTGACCACTGAACAAAACTTGCCCATTGAAAGCAAACCCGGAACAGCTGGATAATGT[C>A]CACCCCGAGCCGATTCAAGAAGGACAAAGAGATCATAGCCGAGTATGAAAGTCAAGTCAA-3'
Protein context (NP_065813.1, residues 1-12): M[Ser2Tyr]TPSRFKKDKE